The following is an entry in ClinVar:

ClinVar aggregate classification (germline): Uncertain significance (1 of 4 stars; one submission).

Allele frequency attached by ClinVar (database versions not stated): ESP Exome Variant Server 0.00043; gnomAD exomes 0.00049; ExAC 0.00056; gnomAD 0.00066 and 0.00067; TOPMed 0.00105; 1000 Genomes Project 0.00120; 1000 Genomes Project 30x 0.00125.
gnomAD v4.1: 637 of 1,584,272 alleles (0.04%); highest among the groups gnomAD compares: Admixed American, 0.28%; 3 homozygotes.

Submission:

Labcorp Genetics (formerly Invitae), Labcorp
Classification: Uncertain significance. Last evaluated: 2025-11-10. Review status: criteria provided, single submitter. Criteria: Invitae Variant Classification Sherloc (09022015). Collection method: clinical testing. Allele origin: germline.
Comment: This sequence change replaces valine, which is neutral and non-polar, with methionine, which is neutral and non-polar, at codon 13 of the DGKZ protein (p.Val13Met). This variant is present in population databases (rs191462113, gnomAD 0.2%), and has an allele count higher than expected for a pathogenic variant. This variant has not been reported in the literature in individuals affected with DGKZ-related conditions. ClinVar contains an entry for this variant (Variation ID: 1005235). An algorithm developed to predict the effect of missense changes on protein structure and function (PolyPhen-2) suggests that this variant is likely to be tolerated. In summary, the available evidence is currently insufficient to determine the role of this variant in disease. Therefore, it has been classified as a Variant of Uncertain Significance.

NM_001199267.2(DGKZ):c.162-998G>A

Gene: DGKZ (diacylglycerol kinase zeta; plus strand). Cytogenetic location: 11p11.2.
Variant type: single nucleotide variant.
Coding change: c.162-998G>A on transcript NM_001199267.2 (MANE Select); 998 bases into the intron before coding-DNA position 162, G replaced by A.
Molecular consequence: intron variant. On other transcripts: missense variant (1).
Genome position (GRCh38, 1-based): chr11:46,366,293, G>A. VCF-style: chr11-46366293-G-A. GRCh37 (hg19) VCF-style: chr11-46387843-G-A.
Other names: c.37G>A, p.Val13Met (NM_001105540.2); c.213-998G>A (NM_201532.3); c.177-998G>A (NM_201533.3); c.162-998G>A (NM_001199266.2, NM_003646.4, NM_001199268.2); short protein forms V13M.
Identifiers: ClinVar variation 1005235 (VCV001005235.7), dbSNP rs191462113, ClinGen allele CA5962050.